The following is an entry in ClinVar:

ClinVar aggregate classification (germline): Uncertain significance (1 of 4 stars; one submission).

Allele frequency attached by ClinVar (database versions not stated): gnomAD exomes 0.00002; TOPMed 0.00002; ExAC 0.00003; gnomAD 0.00003; 1000 Genomes Project 30x 0.00031; 1000 Genomes Project 0.00040.
gnomAD v4.1: 42 of 1,613,658 alleles (0.0026%); highest among the groups gnomAD compares: South Asian, 0.019%; 1 homozygote.

Submission:

Labcorp Genetics (formerly Invitae), Labcorp
Classification: Uncertain significance. Last evaluated: 2022-03-13. Review status: criteria provided, single submitter. Criteria: Invitae Variant Classification Sherloc (09022015). Collection method: clinical testing. Allele origin: germline.
Comment: In summary, the available evidence is currently insufficient to determine the role of this variant in disease. Therefore, it has been classified as a Variant of Uncertain Significance. Algorithms developed to predict the effect of missense changes on protein structure and function are either unavailable or do not agree on the potential impact of this missense change (SIFT: "Deleterious"; PolyPhen-2: "Probably Damaging"; Align-GVGD: "Class C15"). This variant has not been reported in the literature in individuals affected with ANXA11-related conditions. This variant is present in population databases (rs561587637, gnomAD 0.02%), including at least one homozygous and/or hemizygous individual. This sequence change replaces valine, which is neutral and non-polar, with methionine, which is neutral and non-polar, at codon 425 of the ANXA11 protein (p.Val425Met).

NM_145868.2(ANXA11):c.1273G>A (p.Val425Met)

Genes: ANXA11 (annexin A11; minus strand), LOC126860977 (CDK7 strongly-dependent group 2 enhancer GRCh37_chr10:81917938-81919137; plus strand). Cytogenetic location: 10q22.3.
Variant type: single nucleotide variant.
Coding change: c.1273G>A on transcript NM_145868.2 (MANE Select); coding-DNA position 1273, G replaced by A.
Protein change: p.Val425Met; replaces valine 425 with methionine.
Molecular consequence: missense variant.
Genome position (GRCh38, 1-based): chr10:80,159,103, C>T on the plus strand (G>A on the coding strand, the complement: ANXA11 is on the minus strand). VCF-style: chr10-80159103-C-T. GRCh37 (hg19) VCF-style: chr10-81918859-C-T.
Other names: c.1273G>A, p.Val425Met (NM_001157.3, NM_001278407.2, NM_001278408.2 and 1 more transcripts); c.1174G>A, p.Val392Met (NM_001278409.2); short protein forms V392M, V425M.
Identifiers: ClinVar variation 1983055 (VCV001983055.4), dbSNP rs561587637, ClinGen allele CA5575845.